The following is an entry in ClinVar:

NM_006767.4(LZTR1):c.1982del (p.Gly661fs)

Gene: LZTR1 (leucine zipper like post translational regulator 1; plus strand). Cytogenetic location: 22q11.21.
Variant type: Deletion.
Coding change: c.1982del on transcript NM_006767.4 (MANE Select); coding-DNA position 1982, one base deleted (G; older notation c.1982delG).
Protein change: p.Gly661fs; shifts the reading frame from glycine 661.
Molecular consequence: frameshift variant.
Genome position (GRCh38, 1-based): chr22:20,995,785, G deleted; the last of 3 consecutive G bases (chr22:20,995,783-20,995,785); deleting any one gives the same sequence. VCF-style (leftmost placement, unchanged base first): chr22-20995782-AG-A. GRCh37 (hg19) VCF-style: chr22-21350071-AG-A.
Other names: short protein forms G661fs.
Identifiers: ClinVar variation 4859341 (VCV004859341.1).
Genomic context (GRCh38, chr22:20,995,782, plus strand): 5'-GCTCAGGGACCCTCCTACCCCCAGGCACATCTCTGATCCAGGACATGAAGGCATACCTGG[AG>A]GGAGCGGGCGCGGAATTCTGTGACATCACTCTGTTGCTTGACGGGCACCCACGGCCAGCC-3'

ClinVar aggregate classification (germline): Pathogenic (1 of 4 stars; one submission).

Conditions:
Cardiovascular phenotype. Identifiers: MedGen CN230736.
Hereditary cancer-predisposing syndrome. Also called: Neoplastic Syndromes, Hereditary; Tumor predisposition; Hereditary Cancer Syndrome; Hereditary neoplastic syndrome. Identifiers: Orphanet 140162, MedGen C0027672, MeSH D009386, MONDO:0015356.

Submission:

Ambry Genetics
Classification: Pathogenic for Cardiovascular phenotype; Hereditary cancer-predisposing syndrome. Last evaluated: 2026-03-18. Review status: criteria provided, single submitter. Criteria: Ambry Variant Classification Scheme 2023. Collection method: clinical testing. Allele origin: germline.
Comment: The c.1982delG pathogenic mutation, located in coding exon 17 of the LZTR1 gene, results from a deletion of one nucleotide at nucleotide position 1982, causing a translational frameshift with a predicted alternate stop codon (p.G661Efs*46). This variant is considered to be rare based on population cohorts in the Genome Aggregation Database (gnomAD). This alteration is expected to result in loss of function by premature protein truncation or nonsense-mediated mRNA decay. Loss-of-function variants in LZTR1 are related to an increased risk for schwannomas and autosomal recessive Noonan syndrome; however, such associations with autosomal dominant Noonan syndrome have not been observed (Piotrowski A et al. Nat Genet. 2014 Feb;46:182-7; Yamamoto GL et al. J Med Genet. 2015 Jun;52:413-21; Johnston JJ et al. Genet Med. 2018 10;20:1175-1185). Based on the supporting evidence, this variant is pathogenic for an increased risk of LZTR1-related schwannomatosis (SWN) and would be expected to cause autosomal recessive Noonan syndrome when present along with a second pathogenic or likely pathogenic variant on the other allele; however, the association of this variant with autosomal dominant Noonan syndrome is unlikely.